The following is an entry in ClinVar:

ClinVar aggregate classification (germline): Uncertain significance. Review status: criteria provided, multiple submitters, no conflicts (2 of 4 stars). 3 submissions from 3 submitters: Uncertain significance (2). 1 of the submissions does not count toward it. Last evaluated 2022-08-05.

Conditions:
Glycogen storage disease, type II (IOPD). Also called: GLYCOGENOSIS, GENERALIZED, CARDIAC FORM; GSD II; Glucosidase acid-1,4-alpha deficiency; CARDIOMEGALIA GLYCOGENICA DIFFUSA; Pompe Disease; POMPE DISEASE, INFANTILE-ONSET. Identifiers: Orphanet 365, MedGen C0017921, MONDO:0009290, OMIM 232300.

Allele frequency attached by ClinVar (database versions not stated): gnomAD 0.00001; gnomAD exomes 0.00001; TOPMed 0.00001.
gnomAD v4.1: 16 of 1,613,762 alleles (0.00099%); highest among the groups gnomAD compares: Non-Finnish European, 0.0014%; no homozygotes.

Submissions (3):

Labcorp Genetics (formerly Invitae), Labcorp
Classification: Uncertain significance for Glycogen storage disease, type II. Last evaluated: 2022-08-05. Review status: criteria provided, single submitter. Criteria: Invitae Variant Classification Sherloc (09022015). Collection method: clinical testing. Allele origin: germline.
Comment: This sequence change replaces proline, which is neutral and non-polar, with leucine, which is neutral and non-polar, at codon 534 of the GAA protein (p.Pro534Leu). This variant is not present in population databases (gnomAD no frequency). This variant has not been reported in the literature in individuals affected with GAA-related conditions. ClinVar contains an entry for this variant (Variation ID: 1050856). Advanced modeling of protein sequence and biophysical properties (such as structural, functional, and spatial information, amino acid conservation, physicochemical variation, residue mobility, and thermodynamic stability) performed at Invitae indicates that this missense variant is expected to disrupt GAA protein function. In summary, the available evidence is currently insufficient to determine the role of this variant in disease. Therefore, it has been classified as a Variant of Uncertain Significance.

Fulgent Genetics
Classification: Uncertain significance for Glycogen storage disease, type II. Last evaluated: 2021-07-04. Review status: criteria provided, single submitter. Criteria: ACMG Guidelines, 2015. Collection method: clinical testing. Allele origin: unknown.

Natera, Inc.
Classification: Uncertain significance for Glycogen storage disease type II. Last evaluated: 2020-07-29. Review status: no assertion criteria provided. Collection method: clinical testing. Allele origin: germline. Not counted in ClinVar's aggregate classification.

NM_000152.5(GAA):c.1601C>T (p.Pro534Leu)

Gene: GAA (alpha glucosidase; plus strand). Cytogenetic location: 17q25.3.
Variant type: single nucleotide variant.
Coding change: c.1601C>T on transcript NM_000152.5 (MANE Select); coding-DNA position 1601, C replaced by T.
Protein change: p.Pro534Leu; replaces proline 534 with leucine.
Molecular consequence: missense variant.
Genome position (GRCh38, 1-based): chr17:80,110,990, C>T. VCF-style: chr17-80110990-C-T. GRCh37 (hg19) VCF-style: chr17-78084789-C-T.
Other names: c.1601C>T, p.Pro534Leu (NM_001079803.3, NM_001079804.3); short protein forms P534L.
Identifiers: ClinVar variation 1050856 (VCV001050856.11), dbSNP rs1039935633, ClinGen allele CA294895032.